The following is an entry in ClinVar:

ClinVar aggregate classification (germline): Benign. Review status: criteria provided, single submitter (1 of 4 stars). 3 submissions from 1 submitter: Benign (3). Last evaluated 2018-01-13.

Conditions:
Hyperparathyroidism 1 (HRPT1). Also called: HYPERPARATHYROIDISM, FAMILIAL ISOLATED PRIMARY. Identifiers: Orphanet 99879, MedGen C1840402, MONDO:0007767, OMIM 145000.
Parathyroid carcinoma (PRTC). Also called: Parathyroid gland carcinoma; CDC73-Related Parathyroid Carcinoma. Identifiers: Orphanet 143, MedGen C0687150, MONDO:0012004, OMIM 608266, HP:0006780.
Hyperparathyroidism 2 with jaw tumors. Also called: Hyperparathyroidism 2; HYPERPARATHYROIDISM, FAMILIAL PRIMARY, WITH MULTIPLE OSSIFYING JAW FIBROMAS; HYPERPARATHYROIDISM-JAW TUMOR SYNDROME, HEREDITARY; Hyperparathyroidism-Jaw Tumor Syndrome. Identifiers: Orphanet 99880, MedGen C1704981, MONDO:0007768, OMIM 145001.

Allele frequency attached by ClinVar (database versions not stated): 1000 Genomes Project 0.04233; TOPMed 0.04585; 1000 Genomes Project 30x 0.04638.
gnomAD v4.1: 6,222 of 152,204 alleles (4.1%); highest among the groups gnomAD compares: African/African-American, 14%; 403 homozygotes.

Submissions (3):

Illumina Laboratory Services, Illumina
Classification: Benign for Hyperparathyroidism 2 with jaw tumors. Last evaluated: 2018-01-13. Review status: criteria provided, single submitter. Criteria: ICSL Variant Classification Criteria 13 December 2019. Collection method: clinical testing. Allele origin: germline.
Comment: This variant was observed in the ICSL laboratory as part of a predisposition screen in an ostensibly healthy population. It had not been previously curated by ICSL or reported in the Human Gene Mutation Database (HGMD: prior to June 1st, 2018), and was therefore a candidate for classification through an automated scoring system. Utilizing variant allele frequency, disease prevalence and penetrance estimates, and inheritance mode, an automated score was calculated to assess if this variant is too frequent to cause the disease. Based on the score and internal cut-off values, a variant classified as benign is not then subjected to further curation. The score for this variant resulted in a classification of benign for this disease.

Illumina Laboratory Services, Illumina
Classification: Benign for Hyperparathyroidism 1. Last evaluated: 2018-01-13. Review status: criteria provided, single submitter. Criteria: ICSL Variant Classification Criteria 13 December 2019. Collection method: clinical testing. Allele origin: germline.
Comment: the same text as in the submission from Illumina Laboratory Services, Illumina above.

Illumina Laboratory Services, Illumina
Classification: Benign for Parathyroid carcinoma. Last evaluated: 2018-01-13. Review status: criteria provided, single submitter. Criteria: ICSL Variant Classification Criteria 13 December 2019. Collection method: clinical testing. Allele origin: germline.
Comment: the same text as in the submission from Illumina Laboratory Services, Illumina above.

NM_024529.5(CDC73):c.*3786T>A

Gene: CDC73 (cell division cycle 73; plus strand). Cytogenetic location: 1q31.2.
Variant type: single nucleotide variant.
Coding change: c.*3786T>A on transcript NM_024529.5 (MANE Select); 3786 bases downstream of the stop codon, T replaced by A.
Molecular consequence: 3 prime UTR variant.
Genome position (GRCh38, 1-based): chr1:193,254,498, T>A. VCF-style: chr1-193254498-T-A. GRCh37 (hg19) VCF-style: chr1-193223628-T-A.
Identifiers: ClinVar variation 294469 (VCV000294469.5), dbSNP rs74130943, ClinGen allele CA10608658.